The following is an entry in ClinVar:

ClinVar aggregate classification (germline): Pathogenic. Review status: reviewed by expert panel (3 of 4 stars). 8 submissions from 8 submitters: Pathogenic (1). 7 of the submissions do not count toward it. Last evaluated 2016-09-08.

Conditions:
Hereditary cancer-predisposing syndrome. Also called: Tumor predisposition; Hereditary neoplastic syndrome; Hereditary Cancer Syndrome; Neoplastic Syndromes, Hereditary. Identifiers: Orphanet 140162, MedGen C0027672, MeSH D009386, MONDO:0015356.
Hereditary breast ovarian cancer syndrome. Also called: Hereditary breast and ovarian cancer syndrome (HBOC); Hereditary breast and ovarian cancer syndrome; Breast and ovarian cancer; BRCA1- and BRCA2-Associated Hereditary Breast and Ovarian Cancer; Hereditary breast and ovarian cancer; Hereditary breast and/or ovarian cancer syndrome. Identifiers: Orphanet 145, MedGen C0677776, MeSH D061325, MONDO:0003582. Disease mechanism: loss of function.
Breast-ovarian cancer, familial, susceptibility to, 1 (BROVCA1). Also called: OVARIAN CANCER, SUSCEPTIBILITY TO; BRCA1 Hereditary Breast and Ovarian Cancer. Identifiers: Orphanet 145, MedGen C2676676, MONDO:0011450, OMIM 604370. Disease mechanism: loss of function.

Submissions (8):

Evidence-based Network for the Interpretation of Germline Mutant Alleles (ENIGMA)
Classification: Pathogenic for Breast-ovarian cancer, familial, susceptibility to, 1. Last evaluated: 2016-09-08. Review status: reviewed by expert panel. Criteria: ENIGMA BRCA1/2 Classification Criteria (2015). Collection method: curation. Allele origin: germline.
Comment: Variant allele predicted to encode a truncated non-functional protein.

Ambry Genetics
Classification: Pathogenic for Hereditary cancer-predisposing syndrome. Last evaluated: 2026-09-08. Review status: criteria provided, single submitter. Criteria: Ambry Variant Classification Scheme 2023. Collection method: clinical testing. Allele origin: germline. Not counted in ClinVar's aggregate classification.
Comment: The c.1462dupA pathogenic mutation, located in coding exon 9 of the BRCA1 gene, results from a duplication of A at nucleotide position 1462, causing a translational frameshift with a predicted alternate stop codon (p.T488Nfs*2). This variant is considered to be rare based on population cohorts in the Genome Aggregation Database (gnomAD). This alteration is expected to result in loss of function by premature protein truncation or nonsense-mediated mRNA decay. As such, this alteration is interpreted as a disease-causing mutation.

Labcorp Genetics (formerly Invitae), Labcorp
Classification: Pathogenic for Hereditary breast ovarian cancer syndrome. Last evaluated: 2024-01-02. Review status: criteria provided, single submitter. Criteria: Invitae Variant Classification Sherloc (09022015). Collection method: clinical testing. Allele origin: germline. Not counted in ClinVar's aggregate classification.
Comment: This sequence change creates a premature translational stop signal (p.Thr488Asnfs*2) in the BRCA1 gene. It is expected to result in an absent or disrupted protein product. Loss-of-function variants in BRCA1 are known to be pathogenic (PMID: 20104584). This variant is not present in population databases (gnomAD no frequency). This premature translational stop signal has been observed in individual(s) with hereditary breast and ovarian cancer syndrome (PMID: 32438681). ClinVar contains an entry for this variant (Variation ID: 125501). For these reasons, this variant has been classified as Pathogenic.

Women's Health and Genetics/Laboratory Corporation of America, LabCorp
Classification: Pathogenic for Hereditary breast ovarian cancer syndrome. Last evaluated: 2023-08-04. Review status: criteria provided, single submitter. Criteria: LabCorp Variant Classification Summary - May 2015. Collection method: clinical testing. Allele origin: germline. Not counted in ClinVar's aggregate classification.
Comment: Variant summary: BRCA1 c.1462dupA (p.Thr488AsnfsX2) results in a premature termination codon, predicted to cause an absence of the protein due to nonsense mediated decay, which is a commonly known mechanism for disease. The variant was absent in 251292 control chromosomes. c.1462dupA has been reported in the literature in individuals affected with Hereditary Breast And Ovarian Cancer Syndrome (Santonocito_2020). These data indicate that the variant is likely associated with disease. The following publication has been ascertained in the context of this evaluation (PMID: 32438681). Three submitters (including one expert panel) have cited clinical-significance assessments for this variant to ClinVar after 2014. All submitters classified the variant as pathogenic. Based on the evidence outlined above, the variant was classified as pathogenic.

Mayo Clinic Laboratories, Mayo Clinic
Classification: Pathogenic. Last evaluated: 2022-03-15. Review status: criteria provided, single submitter. Criteria: ACMG Guidelines, 2015. Collection method: clinical testing. Allele origin: germline. Observed: 1 variant allele. Not counted in ClinVar's aggregate classification.
Comment: PP5, PM2, PVS1

BRCAlab, Lund University
Classification: Pathogenic for Breast-ovarian cancer, familial, susceptibility to, 1. Last evaluated: 2022-08-26. Review status: no assertion criteria provided. Collection method: clinical testing. Allele origin: germline. Affected: yes. Not counted in ClinVar's aggregate classification.

Research Molecular Genetics Laboratory, Women's College Hospital, University of Toronto
Classification: Pathogenic for Hereditary breast ovarian cancer syndrome. Last evaluated: 2014-01-31. Review status: no assertion criteria provided. Collection method: research. Allele origin: germline. Affected: yes. Study: The Canadian Open Genetics Repository (COGR). Not counted in ClinVar's aggregate classification.

Breast Cancer Information Core (BIC) (BRCA1)
Classification: Pathogenic for Breast-ovarian cancer, familial 1. Last evaluated: 2002-05-29. Review status: no assertion criteria provided. Collection method: clinical testing. Allele origin: germline. Affected: yes. Observed: 2 variant alleles. Not counted in ClinVar's aggregate classification.

Literature cited by the submitters: PubMed 20104584 (cited by Labcorp Genetics (formerly Invitae), Labcorp); PubMed 32438681 (cited by Labcorp Genetics (formerly Invitae), Labcorp and Women's Health and Genetics/Laboratory Corporation of America, LabCorp).

NM_007294.4(BRCA1):c.1462dup (p.Thr488fs)

Gene: BRCA1 (BRCA1 DNA repair associated; minus strand). Cytogenetic location: 17q21.31.
Variant type: Duplication.
Coding change: c.1462dup on transcript NM_007294.4 (MANE Select); coding-DNA position 1462, one base duplicated (A; older notation c.1462dupA).
Protein change: p.Thr488fs; shifts the reading frame from threonine 488.
Molecular consequence: frameshift variant. On other transcripts: intron variant (137).
Genome position (GRCh38, 1-based): chr17:43,094,069, T duplicated on the plus strand (A on the coding strand, the reverse complement: BRCA1 is on the minus strand). VCF-style (leftmost placement, unchanged base first): chr17-43094068-G-GT. GRCh37 (hg19) VCF-style: chr17-41246085-G-GT.
Other names: 1581insA; p.Thr488Asnfs*2; c.1249dup, p.Thr417fs (NM_001407571.1, NM_001407853.1, NM_001407894.1 and 9 more transcripts); c.1462dup, p.Thr488fs (NM_001407581.1, NM_001407582.1, NM_001407583.1 and 30 more transcripts); c.1459dup, p.Thr487fs (NM_001407587.1, NM_001407590.1, NM_001407591.1 and 22 more transcripts); c.1453dup, p.Thr485fs (NM_001407646.1, NM_001407647.1); c.1339dup, p.Thr447fs (NM_001407648.1, NM_001407664.1, NM_001407665.1 and 19 more transcripts); c.1336dup, p.Thr446fs (NM_001407649.1, NM_001407670.1, NM_001407671.1 and 11 more transcripts); and 43 more; short protein forms T488fs, T441fs, T376fs, T400fs, T192fs, T320fs, T361fs, T399fs.
Identifiers: ClinVar variation 125501 (VCV000125501.33), dbSNP rs80357599, ClinGen allele CA000981.